The following is an entry in ClinVar:

NM_000228.3(LAMB3):c.927C>T (p.Asp309=)

Gene: LAMB3 (laminin subunit beta 3; minus strand). Cytogenetic location: 1q32.2.
Variant type: single nucleotide variant.
Coding change: c.927C>T on transcript NM_000228.3 (MANE Select); coding-DNA position 927, C replaced by T.
Protein change: p.Asp309=; no amino-acid change (aspartic acid 309 retained).
Molecular consequence: synonymous variant.
Genome position (GRCh38, 1-based): chr1:209,630,631, G>A on the plus strand (C>T on the coding strand, the complement: LAMB3 is on the minus strand). VCF-style: chr1-209630631-G-A. GRCh37 (hg19) VCF-style: chr1-209803976-G-A.
Other names: c.927C>T, p.Asp309= (NM_001017402.2, NM_001127641.1).
Identifiers: ClinVar variation 295123 (VCV000295123.17), dbSNP rs141059189, ClinGen allele CA1375780.
Genomic context (GRCh38, chr1:209,630,631, plus strand): 5'-CTCGACCCAGACCCTACAGGGGAGGGGTGATCCAAAGCTCCTACTTTGGCATTCATGGGC[G>A]TCCTGGCCCTCCGCCGGTCTCCAGGGCCGGTTGTTGTAGAAGGGTGCACAGCGCTCACAA-3'
Protein context (NP_000219.2, residues 299-319): NRPWRPAEGQ[Asp309=]AHECQRCDCN

ClinVar aggregate classification (germline): Conflicting classifications of pathogenicity. Review status: criteria provided, conflicting classifications (1 of 4 stars). 3 submissions from 3 submitters: Uncertain significance (1); Likely benign (1). 1 of the submissions does not count toward it. Last evaluated 2026-01-12.

Conditions:
Junctional epidermolysis bullosa. Identifiers: Orphanet 305, MedGen C0079301, MONDO:0017612.
LAMB3-related disorder. Also called: LAMB3-related condition.

Allele frequency attached by ClinVar (database versions not stated): TOPMed 0.00012; ESP Exome Variant Server 0.00023.
gnomAD v4.1: 268 of 1,614,148 alleles (0.017%); highest among the groups gnomAD compares: Middle Eastern, 0.13%; no homozygotes.

Submissions (3):

Labcorp Genetics (formerly Invitae), Labcorp
Classification: Likely benign. Last evaluated: 2026-01-12. Review status: criteria provided, single submitter. Criteria: Invitae Variant Classification Sherloc (09022015). Collection method: clinical testing. Allele origin: germline.

Illumina Laboratory Services, Illumina
Classification: Uncertain significance for Junctional epidermolysis bullosa. Last evaluated: 2018-01-13. Review status: criteria provided, single submitter. Criteria: ICSL Variant Classification Criteria 13 December 2019. Collection method: clinical testing. Allele origin: germline.

PreventionGenetics, part of Exact Sciences
Classification: Likely benign for LAMB3-related condition. Last evaluated: 2019-03-29. Review status: no assertion criteria provided. Collection method: clinical testing. Allele origin: germline. Not counted in ClinVar's aggregate classification.
Comment: This variant is classified as likely benign based on ACMG/AMP sequence variant interpretation guidelines (Richards et al. 2015 PMID: 25741868, with internal and published modifications).